The following is an entry in ClinVar:

NM_007294.4(BRCA1):c.4027G>A (p.Asp1343Asn)

Genes: BRCA1 (BRCA1 DNA repair associated; minus strand), LOC126862571 (BRD4-independent group 4 enhancer GRCh37_chr17:41243136-41244335; plus strand). Cytogenetic location: 17q21.31.
Variant type: single nucleotide variant.
Coding change: c.4027G>A on transcript NM_007294.4 (MANE Select); coding-DNA position 4027, G replaced by A.
Protein change: p.Asp1343Asn; replaces aspartic acid 1343 with asparagine.
Molecular consequence: missense variant. On other transcripts: intron variant (135).
Genome position (GRCh38, 1-based): chr17:43,091,504, C>T on the plus strand (G>A on the coding strand, the complement: BRCA1 is on the minus strand). VCF-style: chr17-43091504-C-T. GRCh37 (hg19) VCF-style: chr17-41243521-C-T.
Other names: c.3886G>A, p.Asp1296Asn (NM_001407851.1, NM_001407852.1, NM_001407942.1 and 29 more transcripts); c.3814G>A, p.Asp1272Asn (NM_001407853.1, NM_001407894.1, NM_001407895.1 and 9 more transcripts); c.4027G>A, p.Asp1343Asn (NM_001407854.1, NM_001407858.1, NM_001407859.1 and 30 more transcripts); c.4024G>A, p.Asp1342Asn (NM_001407860.1, NM_001407861.1, NM_001407587.1 and 22 more transcripts); c.3826G>A, p.Asp1276Asn (NM_001407862.1); c.3904G>A, p.Asp1302Asn (NM_001407863.1, NM_001407919.1, NM_001407937.1 and 19 more transcripts); c.3823G>A, p.Asp1275Asn (NM_001407874.1, NM_001407875.1); c.3817G>A, p.Asp1273Asn (NM_001407879.1, NM_001407881.1, NM_001407882.1 and 13 more transcripts); and 41 more; short protein forms D1047N, D1175N, D1215N, D1216N, D1231N, D1232N, D1254N, D1255N.
Identifiers: ClinVar variation 4800832 (VCV004800832.1).

ClinVar aggregate classification (germline): Uncertain significance (1 of 4 stars; one submission).

Conditions:
Hereditary breast ovarian cancer syndrome. Also called: Hereditary breast and ovarian cancer syndrome (HBOC); Hereditary breast and ovarian cancer; Breast and ovarian cancer; Hereditary breast and/or ovarian cancer syndrome; BRCA1- and BRCA2-Associated Hereditary Breast and Ovarian Cancer; Hereditary breast and ovarian cancer syndrome. Identifiers: Orphanet 145, MedGen C0677776, MeSH D061325, MONDO:0003582. Disease mechanism: loss of function.

Submission:

Labcorp Genetics (formerly Invitae), Labcorp
Classification: Uncertain significance for Hereditary breast ovarian cancer syndrome. Last evaluated: 2025-12-08. Review status: criteria provided, single submitter. Criteria: Invitae Variant Classification Sherloc (09022015). Collection method: clinical testing. Allele origin: germline.
Comment: This sequence change replaces aspartic acid, which is acidic and polar, with asparagine, which is neutral and polar, at codon 1343 of the BRCA1 protein (p.Asp1343Asn). This variant is not present in population databases (gnomAD no frequency). This variant has not been reported in the literature in individuals affected with BRCA1-related conditions. Invitae Evidence Modeling of protein sequence and biophysical properties (such as structural, functional, and spatial information, amino acid conservation, physicochemical variation, residue mobility, and thermodynamic stability) indicates that this missense variant is not expected to disrupt BRCA1 protein function with a negative predictive value of 95%. In summary, the available evidence is currently insufficient to determine the role of this variant in disease. Therefore, it has been classified as a Variant of Uncertain Significance.